The following is an entry in ClinVar:

ClinVar aggregate classification (germline): Likely benign. Review status: criteria provided, single submitter (1 of 4 stars). 2 submissions from 2 submitters: Likely benign (1). 1 of the submissions does not count toward it. Last evaluated 2025-11-01.

Conditions:
CACNA1I-related disorder. Also called: CACNA1I-related condition.

Allele frequency attached by ClinVar (database versions not stated): 1000 Genomes Project 30x 0.00031; gnomAD 0.00061; TOPMed 0.00063; ExAC 0.00477.
gnomAD v4.1: 1,253 of 1,481,704 alleles (0.085%); highest among the groups gnomAD compares: Middle Eastern, 0.64%; 8 homozygotes.

Submissions (2):

CeGaT Center for Human Genetics Tuebingen
Classification: Likely benign. Last evaluated: 2025-11-01. Review status: criteria provided, single submitter. Criteria: CeGaT Center For Human Genetics Tuebingen Variant Classification Criteria Version 2. Collection method: clinical testing. Allele origin: germline. Affected: yes. Observed: 2 variant alleles.
Comment: CACNA1I: BS1

PreventionGenetics, part of Exact Sciences
Classification: Likely benign for CACNA1I-related condition. Last evaluated: 2019-02-22. Review status: no assertion criteria provided. Collection method: clinical testing. Allele origin: germline. Not counted in ClinVar's aggregate classification.
Comment: This variant is classified as likely benign based on ACMG/AMP sequence variant interpretation guidelines (Richards et al. 2015 PMID: 25741868, with internal and published modifications).

NM_021096.4(CACNA1I):c.6118G>T (p.Asp2040Tyr)

Gene: CACNA1I (calcium voltage-gated channel subunit alpha1 I; plus strand). Cytogenetic location: 22q13.1.
Variant type: single nucleotide variant.
Coding change: c.6118G>T on transcript NM_021096.4 (MANE Select); coding-DNA position 6118, G replaced by T.
Protein change: p.Asp2040Tyr; replaces aspartic acid 2040 with tyrosine.
Molecular consequence: missense variant.
Genome position (GRCh38, 1-based): chr22:39,685,851, G>T. VCF-style: chr22-39685851-G-T. GRCh37 (hg19) VCF-style: chr22-40081856-G-T.
Other names: c.6013G>T, p.Asp2005Tyr (NM_001003406.2); short protein forms D2005Y, D2040Y.
Identifiers: ClinVar variation 3033771 (VCV003033771.9), dbSNP rs771105041, ClinGen allele CA10245196.